The following is an entry in ClinVar:

ClinVar aggregate classification (germline): Uncertain significance (1 of 4 stars; one submission).

Submission:

GeneDx
Classification: Uncertain significance. Last evaluated: 2024-04-19. Review status: criteria provided, single submitter. Criteria: GeneDx Variant Classification Process June 2021. Collection method: clinical testing. Allele origin: germline. Affected: yes.
Comment: Not observed at significant frequency in large population cohorts (gnomAD); In silico analysis supports that this missense variant has a deleterious effect on protein structure/function; Has not been previously published as pathogenic or benign to our knowledge

NM_013275.6(ANKRD11):c.7424C>G (p.Ser2475Cys)

Gene: ANKRD11 (ankyrin repeat domain containing 11; minus strand). Cytogenetic location: 16q24.3.
Variant type: single nucleotide variant.
Coding change: c.7424C>G on transcript NM_013275.6 (MANE Select); coding-DNA position 7424, C replaced by G.
Protein change: p.Ser2475Cys; replaces serine 2475 with cysteine.
Molecular consequence: missense variant.
Genome position (GRCh38, 1-based): chr16:89,279,118, G>C on the plus strand (C>G on the coding strand, the complement: ANKRD11 is on the minus strand). VCF-style: chr16-89279118-G-C. GRCh37 (hg19) VCF-style: chr16-89345526-G-C.
Other names: c.7424C>G, p.Ser2475Cys (NM_001256182.2, NM_001256183.2); short protein forms S2475C.
Identifiers: ClinVar variation 3372041 (VCV003372041.1).